The following is an entry in ClinVar:

NM_004444.5(EPHB4):c.1864G>T (p.Gly622Cys)

Gene: EPHB4 (EPH receptor B4; minus strand). Cytogenetic location: 7q22.1.
Variant type: single nucleotide variant.
Coding change: c.1864G>T on transcript NM_004444.5 (MANE Select); coding-DNA position 1864, G replaced by T.
Protein change: p.Gly622Cys; replaces glycine 622 with cysteine.
Molecular consequence: missense variant.
Genome position (GRCh38, 1-based): chr7:100,813,101, C>A on the plus strand (G>T on the coding strand, the complement: EPHB4 is on the minus strand). VCF-style: chr7-100813101-C-A. GRCh37 (hg19) VCF-style: chr7-100410723-C-A.
Other names: short protein forms G622C.
Identifiers: ClinVar variation 4532045 (VCV004532045.2).

ClinVar aggregate classification (germline): Likely pathogenic (1 of 4 stars; one submission).

Conditions:
Capillary malformation-arteriovenous malformation 2 (CMAVM2). Identifiers: Orphanet 693912, MedGen C4748670, MONDO:0020785, OMIM 618196.

Submission:

Victorian Clinical Genetics Services, Murdoch Childrens Research Institute
Classification: Likely pathogenic for Capillary malformation-arteriovenous malformation 2. Last evaluated: 2026-02-22. Review status: criteria provided, single submitter. Criteria: ACMG Guidelines, 2015. Collection method: clinical testing. Allele origin: germline. Affected: yes.
Comment: This variant is classified as Likely pathogenic. Evidence in support of pathogenic classification: Variant is absent from gnomAD (v2, v3 and v4); Missense variant consistently predicted to be damaging by in silico tool or highly conserved with a major amino acid change; Additional information: Variant is predicted to result in a missense amino acid change from glycine to cysteine; This variant is heterozygous; This gene is associated with autosomal dominant disease; This variant has no previous evidence of pathogenicity; No published evidence of segregation with disease has been identified for this variant; No published functional evidence has been identified for this variant; No comparable missense variants have previous evidence for pathogenicity; Variant is located in the annotated protein tyrosine and serine/threonine kinase domain (DECIPHER); Loss of function is a known mechanism of disease in this gene and is associated with capillary malformation-arteriovenous malformation 2 (MIM#618196) and lymphatic malformation 7 (MIM#617300); Variants in this gene are known to have variable expressivity. There is intrafamilial variability reported (PMID: 29905864, 27400125, 30578106).

Literature cited by the submitters: PubMed 29905864; PubMed 27400125; PubMed 30578106.